The following is an entry in ClinVar:

NM_022489.4(INF2):c.1+185C>T

Gene: INF2 (inverted formin 2; plus strand). Cytogenetic location: 14q32.33.
Variant type: single nucleotide variant.
Coding change: c.1+185C>T on transcript NM_022489.4 (MANE Select); 185 bases into the intron after coding-DNA position 1, C replaced by T.
Molecular consequence: intron variant.
Genome position (GRCh38, 1-based): chr14:104,715,525, C>T. VCF-style: chr14-104715525-C-T. GRCh37 (hg19) VCF-style: chr14-105181862-C-T.
Other names: c.3694+669C>T (NM_001031714.4).
Identifiers: ClinVar variation 681972 (VCV000681972.1), dbSNP rs74395064, ClinGen allele CA267331302.

ClinVar aggregate classification (germline): Benign (1 of 4 stars; one submission).

Allele frequency attached by ClinVar (database versions not stated): gnomAD 0.02622 and 0.02740; 1000 Genomes Project 0.02915; TOPMed 0.02957; 1000 Genomes Project 30x 0.02983.

Submission:

GeneDx
Classification: Benign. Last evaluated: 2018-06-14. Review status: criteria provided, single submitter. Criteria: GeneDx Variant Classification (06012015). Collection method: clinical testing. Allele origin: germline. Affected: yes.
Comment: This variant is considered likely benign or benign based on one or more of the following criteria: it is a conservative change, it occurs at a poorly conserved position in the protein, it is predicted to be benign by multiple in silico algorithms, and/or has population frequency not consistent with disease.